The following is an entry in ClinVar:

ClinVar aggregate classification (germline): Likely benign. Review status: criteria provided, multiple submitters, no conflicts (2 of 4 stars). 3 submissions from 3 submitters: Likely benign (2). 1 of the submissions does not count toward it. Last evaluated 2025-12-15.

Conditions:
Xanthinuria type II. Also called: Xanthine dehydrogenase and aldehyde oxidase combined deficiency of; XDH and AOX dual deficiency. Identifiers: Orphanet 3467, Orphanet 93602, MedGen C1863688, MONDO:0011346, OMIM 603592.
XDH-related disorder. Also called: XDH-related condition.
Hereditary xanthinuria type 1 (XAN1). Identifiers: Orphanet 3467, Orphanet 93601, MedGen C0268118, MONDO:0010209, OMIM 278300.

Allele frequency attached by ClinVar (database versions not stated): TOPMed 0.00014; gnomAD 0.00022 and 0.00023; gnomAD exomes 0.00023 and 0.00047; ExAC 0.00031; ESP Exome Variant Server 0.00038.
gnomAD v4.1: 719 of 1,614,058 alleles (0.045%); highest among the groups gnomAD compares: Non-Finnish European, 0.057%; 1 homozygote.

Submissions (3):

Labcorp Genetics (formerly Invitae), Labcorp
Classification: Likely benign for Xanthinuria type II. Last evaluated: 2025-12-15. Review status: criteria provided, single submitter. Criteria: Invitae Variant Classification Sherloc (09022015). Collection method: clinical testing. Allele origin: germline.

Fulgent Genetics
Classification: Likely benign for Hereditary xanthinuria type 1. Last evaluated: 2022-02-16. Review status: criteria provided, single submitter. Criteria: ACMG Guidelines, 2015. Collection method: clinical testing. Allele origin: unknown.

PreventionGenetics, part of Exact Sciences
Classification: Likely benign for XDH-related condition. Last evaluated: 2019-09-25. Review status: no assertion criteria provided. Collection method: clinical testing. Allele origin: germline. Not counted in ClinVar's aggregate classification.
Comment: This variant is classified as likely benign based on ACMG/AMP sequence variant interpretation guidelines (Richards et al. 2015 PMID: 25741868, with internal and published modifications).

NM_000379.4(XDH):c.1773C>T (p.Ala591=)

Gene: XDH (xanthine dehydrogenase; minus strand). Cytogenetic location: 2p23.1.
Variant type: single nucleotide variant.
Coding change: c.1773C>T on transcript NM_000379.4 (MANE Select); coding-DNA position 1773, C replaced by T.
Protein change: p.Ala591=; no amino-acid change (alanine 591 retained).
Molecular consequence: synonymous variant.
Genome position (GRCh38, 1-based): chr2:31,372,311, G>A on the plus strand (C>T on the coding strand, the complement: XDH is on the minus strand). VCF-style: chr2-31372311-G-A. GRCh37 (hg19) VCF-style: chr2-31595177-G-A.
Other names: c.1773C>T (NM_000379.3).
Identifiers: ClinVar variation 1553948 (VCV001553948.11), dbSNP rs145108969, ClinGen allele CA1599086.
Genomic context (GRCh38, chr2:31,372,311, plus strand): 5'-GCTGGTGACCAGCCGGAGAGACAGCTCATTCTCGTAGCGAGGAATGTCGTCACAGTACAC[G>A]GCCTCACCAGAGGCCTGCATGTCCGCTGCCAGGTGGGGCAGGGGCCGGCCCACCATGTCC-3'
Protein context (NP_000370.2, residues 581-601): LAADMQASGE[Ala591=]VYCDDIPRYE